The following is an entry in ClinVar:

ClinVar aggregate classification (germline): Conflicting classifications of pathogenicity. Review status: criteria provided, conflicting classifications (1 of 4 stars). 4 submissions from 4 submitters: Likely pathogenic (1); Uncertain significance (1). 2 of the submissions do not count toward it. Last evaluated 2024-08-04.

Conditions:
Charcot-Marie-Tooth disease. Also called: Charcot-Marie-Tooth Hereditary Neuropathy; Charcot-Marie-Tooth Neuropathy. Identifiers: Orphanet 166, MedGen C0007959, MONDO:0015626.
Charcot-Marie-Tooth disease type 2. Also called: Charcot-Marie-Tooth type 2. Identifiers: Orphanet 64746, MedGen C0270914, MONDO:0018993.
Charcot-Marie-Tooth disease type 2D (CMT2D). Also called: Charcot-Marie-Tooth Neuropathy Type 2D; CHARCOT-MARIE-TOOTH DISEASE, AXONAL, TYPE 2D; CHARCOT-MARIE-TOOTH DISEASE, NEURONAL, TYPE 2D; GARS1 Adolescent- or Early Adult-Onset Hereditary Motor/Sensory Neuropathy (GARS1-HMSN). Identifiers: Orphanet 99938, MedGen C1832274, MONDO:0011091, OMIM 601472.
GARS1-related disorder. Also called: GARS1-related condition.

Submissions (4):

3billion
Classification: Uncertain significance for GARS1-related disorder. Last evaluated: 2024-08-04. Review status: criteria provided, single submitter. Criteria: ACMG Guidelines, 2015. Collection method: clinical testing. Allele origin: germline. Affected: yes.
Comment: The variant is not observed in the gnomAD v4.0.0 dataset. Predicted Consequence/Location: Missense changes are a common disease-causing mechanism. In silico tool predictions suggest damaging effect of the variant on gene or gene product [REVEL: 0.90 (>=0.6, sensitivity 0.68 and specificity 0.92); 3Cnet: 0.85 (>=0.6, sensitivity 0.72 and precision 0.9)]. The same nucleotide change resulting in the same amino acid change has been previously reported to be associated with GARS1 related disorder (ClinVar ID: VCV000637542 /PMID: 25476837). However, the evidence of pathogenicity is insufficient at this time. Therefore, this variant is classified as VUS according to the recommendation of ACMG/AMP guideline.

Labcorp Genetics (formerly Invitae), Labcorp
Classification: Likely pathogenic for Charcot-Marie-Tooth disease type 2. Last evaluated: 2020-10-19. Review status: criteria provided, single submitter. Criteria: Invitae Variant Classification Sherloc (09022015). Collection method: clinical testing. Allele origin: germline.
Comment: This sequence change replaces cysteine with arginine at codon 211 of the GARS protein (p.Cys211Arg). The cysteine residue is highly conserved and there is a large physicochemical difference between cysteine and arginine. This variant is not present in population databases (ExAC no frequency). In summary, the currently available evidence indicates that the variant is pathogenic, but additional data are needed to prove that conclusively. Therefore, this variant has been classified as Likely Pathogenic. Algorithms developed to predict the effect of missense changes on protein structure and function are either unavailable or do not agree on the potential impact of this missense change (SIFT: "Deleterious"; PolyPhen-2: "Probably Damaging"; Align-GVGD: "Class C0"). This variant has been observed in individual(s) with clinical features of GARS-related conditions (Invitae). In at least one individual the variant was observed to be de novo. ClinVar contains an entry for this variant (Variation ID: 637542).

Inherited Neuropathy Consortium Ii, University Of Miami
Classification: Uncertain significance for Charcot-Marie-Tooth disease type 2D. Last evaluated: 2016-01-06. Review status: no assertion criteria provided. Collection method: literature only. Allele origin: germline. Affected: yes. Not counted in ClinVar's aggregate classification.

Inherited Neuropathy Consortium
Classification: Uncertain significance for Charcot-Marie-Tooth disease. Review status: no assertion criteria provided. Collection method: literature only. Allele origin: germline. Affected: yes. Not counted in ClinVar's aggregate classification.

Literature cited by the submitters: PubMed 25476837 (cited by 3 submitters).

NM_002047.4(GARS1):c.631T>C (p.Cys211Arg)

Gene: GARS1 (glycyl-tRNA synthetase 1; plus strand). Cytogenetic location: 7p14.3.
Variant type: single nucleotide variant.
Coding change: c.631T>C on transcript NM_002047.4 (MANE Select); coding-DNA position 631, T replaced by C.
Protein change: p.Cys211Arg; replaces cysteine 211 with arginine.
Molecular consequence: missense variant.
Genome position (GRCh38, 1-based): chr7:30,603,095, T>C. VCF-style: chr7-30603095-T-C. GRCh37 (hg19) VCF-style: chr7-30642711-T-C.
Other names: c.631T>C (LRG_243t1); c.469T>C, p.Cys157Arg (NM_001316772.1); short protein forms C211R, C157R.
Identifiers: ClinVar variation 637542 (VCV000637542.11), dbSNP rs1301948344, ClinGen allele CA367139789.